The following is an entry in ClinVar:

NM_021926.4(ALX4):c.*963G>A

Gene: ALX4 (ALX homeobox 4; minus strand). Cytogenetic location: 11p11.2.
Variant type: single nucleotide variant.
Coding change: c.*963G>A on transcript NM_021926.4 (MANE Select); 963 bases downstream of the stop codon, G replaced by A.
Molecular consequence: 3 prime UTR variant.
Genome position (GRCh38, 1-based): chr11:44,263,891, C>T on the plus strand (G>A on the coding strand, the complement: ALX4 is on the minus strand). VCF-style: chr11-44263891-C-T. GRCh37 (hg19) VCF-style: chr11-44285441-C-T.
Other names: c.*963G>A (LRG_1256t1).
Identifiers: ClinVar variation 304675 (VCV000304675.5), dbSNP rs140400459, ClinGen allele CA10638560.
Genomic context (GRCh38, chr11:44,263,891, plus strand): 5'-GACACTGCTGAGCAGCCCCAGGGAGGGGCCAGGGTAGGGCAGGGAAGAGACGAGCCCCTC[C>T]GCATCCTCCTGGAGGGAACCTGACTGGGCTCTGGATGGAGAACAAAGCTGCCCAGACCTC-3'

ClinVar aggregate classification (germline): Benign (1 of 4 stars; one submission).

Conditions:
Parietal foramina 2 (PFM2). Identifiers: Orphanet 60015, MedGen C1865044, MONDO:0012309, OMIM 609597.

Allele frequency attached by ClinVar (database versions not stated): 1000 Genomes Project 0.00200; gnomAD 0.00226 and 0.00249; 1000 Genomes Project 30x 0.00234; TOPMed 0.00295.

Submission:

Illumina Laboratory Services, Illumina
Classification: Benign for Parietal foramina 2. Last evaluated: 2018-01-13. Review status: criteria provided, single submitter. Criteria: ICSL Variant Classification Criteria 13 December 2019. Collection method: clinical testing. Allele origin: germline.
Comment: This variant was observed in the ICSL laboratory as part of a predisposition screen in an ostensibly healthy population. It had not been previously curated by ICSL or reported in the Human Gene Mutation Database (HGMD: prior to June 1st, 2018), and was therefore a candidate for classification through an automated scoring system. Utilizing variant allele frequency, disease prevalence and penetrance estimates, and inheritance mode, an automated score was calculated to assess if this variant is too frequent to cause the disease. Based on the score and internal cut-off values, a variant classified as benign is not then subjected to further curation. The score for this variant resulted in a classification of benign for this disease.